The following is an entry in ClinVar:

NM_205836.3(FBXO38):c.3154A>G (p.Ile1052Val)

Gene: FBXO38 (F-box protein 38; plus strand). Cytogenetic location: 5q32.
Variant type: single nucleotide variant.
Coding change: c.3154A>G on transcript NM_205836.3 (MANE Select); coding-DNA position 3154, A replaced by G.
Protein change: p.Ile1052Val; replaces isoleucine 1052 with valine.
Molecular consequence: missense variant.
Genome position (GRCh38, 1-based): chr5:148,439,776, A>G. VCF-style: chr5-148439776-A-G. GRCh37 (hg19) VCF-style: chr5-147819339-A-G.
Other names: c.2419A>G, p.Ile807Val (NM_001271723.2); c.2929A>G, p.Ile977Val (NM_030793.5); short protein forms I1052V, I807V, I977V.
Identifiers: ClinVar variation 3390208 (VCV003390208.14).

ClinVar aggregate classification (germline): Uncertain significance (1 of 4 stars; one submission).

gnomAD v4.1: 4 of 1,613,906 alleles (0.00025%); highest among the groups gnomAD compares: South Asian, 0.0033%; no homozygotes.

Submission:

CeGaT Center for Human Genetics Tuebingen
Classification: Uncertain significance. Last evaluated: 2024-11-01. Review status: criteria provided, single submitter. Criteria: CeGaT Center For Human Genetics Tuebingen Variant Classification Criteria Version 2. Collection method: clinical testing. Allele origin: germline. Affected: yes. Observed: 1 variant allele.
Comment: FBXO38: PM2